The following is an entry in ClinVar:

ClinVar aggregate classification (germline): Uncertain significance. Review status: criteria provided, multiple submitters, no conflicts (2 of 4 stars). 2 submissions from 2 submitters: Uncertain significance (2). Last evaluated 2025-05-19.

Conditions:
Duchenne muscular dystrophy (DMD). Also called: MUSCULAR DYSTROPHY, PSEUDOHYPERTROPHIC PROGRESSIVE, DUCHENNE TYPE; Duchenne Muscular Dystrophy (DMD). Identifiers: Orphanet 98896, MedGen C0013264, MONDO:0010679, OMIM 310200.

Allele frequency attached by ClinVar (database versions not stated): gnomAD exomes below 0.00001; gnomAD 0.00001; TOPMed 0.00002.
gnomAD v4.1: 2 of 1,204,926 alleles (0.00017%); highest among the groups gnomAD compares: African/African-American, 0.0035%; no homozygotes.

Submissions (2):

Labcorp Genetics (formerly Invitae), Labcorp
Classification: Uncertain significance for Duchenne muscular dystrophy. Last evaluated: 2025-05-19. Review status: criteria provided, single submitter. Criteria: Invitae Variant Classification Sherloc (09022015). Collection method: clinical testing. Allele origin: germline.
Comment: This sequence change replaces lysine, which is basic and polar, with asparagine, which is neutral and polar, at codon 1164 of the DMD protein (p.Lys1164Asn). This variant is not present in population databases (gnomAD no frequency). This variant has not been reported in the literature in individuals affected with DMD-related conditions. ClinVar contains an entry for this variant (Variation ID: 1304398). Invitae Evidence Modeling of protein sequence and biophysical properties (such as structural, functional, and spatial information, amino acid conservation, physicochemical variation, residue mobility, and thermodynamic stability) indicates that this missense variant is not expected to disrupt DMD protein function with a negative predictive value of 95%. In summary, the available evidence is currently insufficient to determine the role of this variant in disease. Therefore, it has been classified as a Variant of Uncertain Significance.

GeneDx
Classification: Uncertain significance. Last evaluated: 2018-12-07. Review status: criteria provided, single submitter. Criteria: GeneDx Variant Classification Process June 2021. Collection method: clinical testing. Allele origin: germline. Affected: yes.

NM_004006.3(DMD):c.3492A>T (p.Lys1164Asn)

Gene: DMD (dystrophin; minus strand). Cytogenetic location: Xp21.1.
Variant type: single nucleotide variant.
Coding change: c.3492A>T on transcript NM_004006.3 (MANE Select); coding-DNA position 3492, A replaced by T.
Protein change: p.Lys1164Asn; replaces lysine 1164 with asparagine.
Molecular consequence: missense variant.
Genome position (GRCh38, 1-based): chrX:32,454,773, T>A on the plus strand (A>T on the coding strand, the complement: DMD is on the minus strand). VCF-style: chrX-32454773-T-A. GRCh37 (hg19) VCF-style: chrX-32472890-T-A.
Other names: c.3468A>T, p.Lys1156Asn (NM_000109.4); c.3480A>T, p.Lys1160Asn (NM_004009.3); c.3123A>T, p.Lys1041Asn (NM_004010.3); short protein forms K1041N, K1156N, K1160N, K1164N.
Identifiers: ClinVar variation 1304398 (VCV001304398.4), dbSNP rs1032762656, ClinGen allele CA327997033.